The following is an entry in ClinVar:

NM_022051.3(EGLN1):c.841C>A (p.Arg281Ser)

Genes: EGLN1 (egl-9 family hypoxia inducible factor 1; minus strand), LOC129932769 (ATAC-STARR-seq lymphoblastoid active region 2730; plus strand). Cytogenetic location: 1q42.2.
Variant type: single nucleotide variant.
Coding change: c.841C>A on transcript NM_022051.3 (MANE Select); coding-DNA position 841, C replaced by A.
Protein change: p.Arg281Ser; replaces arginine 281 with serine.
Molecular consequence: missense variant.
Genome position (GRCh38, 1-based): chr1:231,421,048, G>T on the plus strand (C>A on the coding strand, the complement: EGLN1 is on the minus strand). VCF-style: chr1-231421048-G-T. GRCh37 (hg19) VCF-style: chr1-231556794-G-T.
Other names: c.841C>A, p.Arg281Ser (NM_001377260.1, NM_001377261.1); short protein forms R281S.
Identifiers: ClinVar variation 3507227 (VCV003507227.1).

ClinVar aggregate classification (germline): Uncertain significance (1 of 4 stars; one submission).

Submission:

Ambry Genetics
Classification: Uncertain significance. Last evaluated: 2024-09-16. Review status: criteria provided, single submitter. Criteria: Ambry Variant Classification Scheme 2023. Collection method: clinical testing. Allele origin: germline.
Comment: The p.R281S variant (also known as c.841C>A), located in coding exon 1 of the EGLN1 gene, results from a C to A substitution at nucleotide position 841. The arginine at codon 281 is replaced by serine, an amino acid with dissimilar properties. This amino acid position is conserved. In addition, the in silico prediction for this alteration is inconclusive. Based on the available evidence, the clinical significance of this variant remains unclear.